The following is an entry in ClinVar:

NM_000104.4(CYP1B1):c.985G>A (p.Gly329Ser)

Gene: CYP1B1 (cytochrome P450 family 1 subfamily B member 1; minus strand). Cytogenetic location: 2p22.2.
Variant type: single nucleotide variant.
Coding change: c.985G>A on transcript NM_000104.4 (MANE Select); coding-DNA position 985, G replaced by A.
Protein change: p.Gly329Ser; replaces glycine 329 with serine.
Molecular consequence: missense variant.
Genome position (GRCh38, 1-based): chr2:38,074,404, C>T on the plus strand (G>A on the coding strand, the complement: CYP1B1 is on the minus strand). VCF-style: chr2-38074404-C-T. GRCh37 (hg19) VCF-style: chr2-38301547-C-T.
Other names: NM_000104.4(CYP1B1):c.985G>A; p.Gly329Ser; short protein forms G329S.
Identifiers: ClinVar variation 632362 (VCV000632362.13), dbSNP rs777678299, ClinGen allele CA1619909.

ClinVar aggregate classification (germline): Uncertain significance. Review status: reviewed by expert panel (3 of 4 stars). 6 submissions from 6 submitters: Uncertain significance (1). 5 of the submissions do not count toward it. Last evaluated 2025-11-19.

Conditions:
Congenital glaucoma. Identifiers: MedGen C0020302, MONDO:0020366.
Anterior segment dysgenesis 6 (ASGD6). Also called: Anterior segment dysgenesis 6, multiple subtypes. Identifiers: MedGen C4310623, MONDO:0015016, OMIM 617315.
CYP1B1-related disorder. Also called: CYP1B1-Related Disorders. Identifiers: MedGen CN239260.
Primary congenital glaucoma. Also called: Primary congenital glaucoma (disease). Identifiers: MedGen C1533041, MONDO:0000365, HP:0008007.
CYP1B1-related glaucoma with or without anterior segment dysgenesis. Identifiers: MedGen CN375931, MONDO:0800472.
Glaucoma 3A. Also called: Glaucoma 3, primary congenital, A. Identifiers: Orphanet 98976, Orphanet 98977, MedGen C1856439, MONDO:0009277, OMIM 231300.

Allele frequency attached by ClinVar (database versions not stated): gnomAD exomes 0.00001; TOPMed 0.00001; ExAC 0.00003.

Submissions (6):

ClinGen Glaucoma Variant Curation Expert Panel
Classification: Uncertain significance for CYP1B1-related glaucoma with or without anterior segment dysgenesis. Last evaluated: 2025-11-19. Review status: reviewed by expert panel. Criteria: ClinGen CYP1B1 ACMG Specifications V1 Approved. Collection method: curation. Allele origin: germline. Inheritance: Autosomal recessive inheritance.
Comment: The c.985G>A variant in CYP1B1 is a missense variant predicted to cause substitution of Glycine by Serine at amino acid 329 (p.Gly329Ser). The highest minor allele frequency of this variant was in the East Asian genetic ancestry group of gnomAD (v4.1.0) = 0.00008918 (4 alleles out of 44,852), which met the ≤ 0.0005 threshold set for PM2_Supporting in a genetic ancestry group of at least 2,000 alleles. The REVEL score = 0.682, which was within the 0.644-0.772 range for PP3, predicting a damaging effect on CYP1B1 function. PS3_Supporting was not applied as the assays reported did not meet the OddsPath threshold (> 2.1) (PMIDs: 17363580, 27243976) or the threshold for abnormal impact on protein function in the assays could not be determined (PMID: 27243976). This variant has been identified in 2 individuals with a CYP1B1-related phenotype. Total proband points = 1, meeting PM3. In summary, this variant met the criteria to receive a score of 4 and to be classified as a variant of uncertain significance (uncertain significance classification range -1 to 5, adapted from PMID: 32720330) for CYP1B1-related glaucoma with or without anterior segment dysgenesis (ASD) based on the ACMG/AMP criteria met, as specified by the ClinGen Glaucoma VCEP (v1.0, 06.11.2025): PM3, PP3, PM2_Supporting

Labcorp Genetics (formerly Invitae), Labcorp
Classification: Pathogenic for Congenital glaucoma. Last evaluated: 2025-12-14. Review status: criteria provided, single submitter. Criteria: Invitae Variant Classification Sherloc (09022015). Collection method: clinical testing. Allele origin: germline. Not counted in ClinVar's aggregate classification.
Comment: This sequence change replaces glycine, which is neutral and non-polar, with serine, which is neutral and polar, at codon 329 of the CYP1B1 protein (p.Gly329Ser). This variant is present in population databases (rs777678299, gnomAD 0.01%). This missense change has been observed in individuals with primary congenital glaucoma (PMID: 22942166). ClinVar contains an entry for this variant (Variation ID: 632362). Invitae Evidence Modeling of protein sequence and biophysical properties (such as structural, functional, and spatial information, amino acid conservation, physicochemical variation, residue mobility, and thermodynamic stability) indicates that this missense variant is not expected to disrupt CYP1B1 protein function with a negative predictive value of 80%. Experimental studies have shown that this missense change affects CYP1B1 function (PMID: 17363580, 27243976). This variant disrupts the p.Gly329 amino acid residue in CYP1B1. Other variant(s) that disrupt this residue have been observed in individuals with CYP1B1-related conditions (PMID: 31024815), which suggests that this may be a clinically significant amino acid residue. For these reasons, this variant has been classified as Pathogenic.

Baylor Genetics
Classification: Likely pathogenic for Anterior segment dysgenesis 6. Last evaluated: 2024-02-19. Review status: criteria provided, single submitter. Criteria: ACMG Guidelines, 2015. Collection method: clinical testing. Allele origin: unknown. Not counted in ClinVar's aggregate classification.

Blueprint Genetics
Classification: Likely pathogenic for CYP1B1-related disorders. Last evaluated: 2023-05-31. Review status: criteria provided, single submitter. Criteria: ACMG Guidelines, 2015. Collection method: clinical testing. Allele origin: germline. Affected: yes. Observed: 4 variant alleles. Not counted in ClinVar's aggregate classification.

Women's Health and Genetics/Laboratory Corporation of America, LabCorp
Classification: Likely pathogenic for Primary congenital glaucoma. Last evaluated: 2022-03-23. Review status: criteria provided, single submitter. Criteria: LabCorp Variant Classification Summary - May 2015. Collection method: clinical testing. Allele origin: germline. Not counted in ClinVar's aggregate classification.
Comment: Variant summary: CYP1B1 c.985G>A (p.Gly329Ser) results in a non-conservative amino acid change located in the conserved helixe I (aa316-349, Jeannot_2007) of the encoded protein sequence. Three of five in-silico tools predict a damaging effect of the variant on protein function. The variant allele was found at a frequency of 1.2e-05 in 249004 control chromosomes (gnomAD and publication data). c.985G>A has been reported in the literature in individuals affected with Primary Congenital Glaucoma, including one homozygote (Kim_2011, Suh_2012). These data indicate that the variant may be associated with disease. Functional studies report experimental evidence evaluating an impact on protein function, where the variant protein was found to be enzymatically null for both estradiol and retinoic acid metabolism (Jeannot_2007, Banerjee_2016). In addition, other missense variants in the same residue (G329D and G329V) have been reported in the Human Gene Mutation Database in association with Primary Congenital Glaucoma (PMID: 17718864, 17893647), supporting the functional importance of this residue of the protein. Two ClinVar submitters have assessed the variant since 2014: one classified the variant as likely pathogenic, and one as of uncertain significance. Based on the evidence outlined above, the variant was classified as likely pathogenic.

Illumina Laboratory Services, Illumina
Classification: Likely pathogenic for Glaucoma 3A. Last evaluated: 2018-11-21. Review status: criteria provided, single submitter. Criteria: ICSL Variant Classification Criteria 09 May 2019. Collection method: clinical testing. Allele origin: germline. Not counted in ClinVar's aggregate classification.
Comment: The CYP1B1 c.985G>A (p.Gly329Ser) missense variant has been reported in one study and found in three individuals with primary congenital glaucoma including one each in a homozygous state, compound heterozygous state with a frameshift variant and heterozygous state (Kim et al. 2011). The variant was absent from 400 control chromosomes and is reported at a frequency of 0.000016 in the Total population of the Genome Aggregation Database. HEK293T cells expressing the p.Gly329Ser variant completely lacked retinol metabolizing activity (Banerjee et al. 2016). Based on the evidence, the p.Gly329Ser variant is classified as likely pathogenic for primary congenital glaucoma. This variant was observed by ICSL as part of a predisposition screen in an ostensibly healthy population.

Literature cited by the submitters: PubMed 22942166 (cited by Labcorp Genetics (formerly Invitae), Labcorp and Women's Health and Genetics/Laboratory Corporation of America, LabCorp); PubMed 17363580 (cited by Labcorp Genetics (formerly Invitae), Labcorp and Women's Health and Genetics/Laboratory Corporation of America, LabCorp); PubMed 27243976 (cited by 3 submitters); PubMed 31024815 (cited by Labcorp Genetics (formerly Invitae), Labcorp); PubMed 21850185 (cited by Women's Health and Genetics/Laboratory Corporation of America, LabCorp and Illumina Laboratory Services, Illumina).